The following is an entry in ClinVar:

NM_000429.3(MAT1A):c.565A>G (p.Met189Val)

Gene: MAT1A (methionine adenosyltransferase 1A; minus strand). Cytogenetic location: 10q22.3.
Variant type: single nucleotide variant.
Coding change: c.565A>G on transcript NM_000429.3 (MANE Select); coding-DNA position 565, A replaced by G.
Protein change: p.Met189Val; replaces methionine 189 with valine.
Molecular consequence: missense variant.
Genome position (GRCh38, 1-based): chr10:80,276,579, T>C on the plus strand (A>G on the coding strand, the complement: MAT1A is on the minus strand). VCF-style: chr10-80276579-T-C. GRCh37 (hg19) VCF-style: chr10-82036335-T-C.
Other names: short protein forms M189V.
Identifiers: ClinVar variation 4692162 (VCV004692162.1).
Genomic context (GRCh38, chr10:80,276,579, plus strand): 5'-GCTGCACAGAGATGACGATGGTGTGGATGCGCACAGGGATGACTGCGCCATTGTCCTGCA[T>C]GTACTGAACTGTCACCTGTCCATCAGAAGGGTGGGGGAGATACTGTGAGGCTGAGGCTGA-3'
Protein context (NP_000420.1, residues 179-199): DSKTQVTVQY[Met189Val]QDNGAVIPVR

ClinVar aggregate classification (germline): Uncertain significance (1 of 4 stars; one submission).

Conditions:
Hepatic methionine adenosyltransferase deficiency. Also called: MAT I/III DEFICIENCY; Methionine adenosyltransferase deficiency; Deficiency of methionine adenosyltransferase; Isolated Persistent Hypermethioninemia. Identifiers: Orphanet 168598, MedGen C0268621, MeSH C564683, MONDO:0009607, OMIM 250850.

Submission:

Labcorp Genetics (formerly Invitae), Labcorp
Classification: Uncertain significance for Hepatic methionine adenosyltransferase deficiency. Last evaluated: 2025-08-22. Review status: criteria provided, single submitter. Criteria: Invitae Variant Classification Sherloc (09022015). Collection method: clinical testing. Allele origin: germline.
Comment: This sequence change replaces methionine, which is neutral and non-polar, with valine, which is neutral and non-polar, at codon 189 of the MAT1A protein (p.Met189Val). This variant is not present in population databases (gnomAD no frequency). This variant has not been reported in the literature in individuals affected with MAT1A-related conditions. Invitae Evidence Modeling of protein sequence and biophysical properties (such as structural, functional, and spatial information, amino acid conservation, physicochemical variation, residue mobility, and thermodynamic stability) indicates that this missense variant is not expected to disrupt MAT1A protein function with a negative predictive value of 80%. In summary, the available evidence is currently insufficient to determine the role of this variant in disease. Therefore, it has been classified as a Variant of Uncertain Significance.